The following is an entry in ClinVar:

ClinVar aggregate classification (germline): Likely benign (1 of 4 stars; one submission).

Conditions:
SHANK3-related disorder. Also called: SHANK3-related condition.

Submission:

PreventionGenetics, part of Exact Sciences
Classification: Likely benign for SHANK3-related condition. Last evaluated: 2024-12-23. Review status: criteria provided, single submitter. Criteria: ACMG Guidelines, 2015. Collection method: clinical testing. Allele origin: germline.
Comment: This variant is classified as likely benign based on ACMG/AMP sequence variant interpretation guidelines (Richards et al. 2015 PMID: 25741868, with internal and published modifications).

NM_001372044.2(SHANK3):c.1041T>C (p.Tyr347=)

Gene: SHANK3 (SH3 and multiple ankyrin repeat domains 3; plus strand). Cytogenetic location: 22q13.33.
Variant type: single nucleotide variant.
Coding change: c.1041T>C on transcript NM_001372044.2 (MANE Select); coding-DNA position 1041, T replaced by C.
Protein change: p.Tyr347=; no amino-acid change (tyrosine 347 retained).
Molecular consequence: synonymous variant.
Genome position (GRCh38, 1-based): chr22:50,679,359, T>C. VCF-style: chr22-50679359-T-C. GRCh37 (hg19) VCF-style: chr22-51117787-T-C.
Other names: c.816T>C (NM_033517.1).
Identifiers: ClinVar variation 4990544 (VCV004990544.1).